The following is an entry in ClinVar:

NM_001374828.1(ARID1B):c.1303GGC[8] (p.Gly440_Tyr441insGlyGly)

Gene: ARID1B (AT-rich interaction domain 1B; plus strand). Cytogenetic location: 6q25.3.
Variant type: Microsatellite.
Coding change: c.1303GGC[8] on transcript NM_001374828.1 (MANE Select); eight copies in a row of the 3-base unit GGC starting at c.1303; the reference has six copies in a row; two copies, 6 bases duplicated.
Protein change: p.Gly440_Tyr441insGlyGly.
Molecular consequence: inframe insertion. On other transcripts: inframe indel (1).
Genome position (GRCh38, 1-based): chr6:156,778,995-156,779,000, GGCGGC duplicated; duplicating any 6 consecutive bases within chr6:156,778,983-156,779,000 gives the same sequence; the position shown is the placement nearest the transcript's 3' end. VCF-style (leftmost placement, unchanged base first): chr6-156778982-A-AGGCGGC. GRCh37 (hg19) VCF-style: chr6-157100116-A-AGGCGGC.
Other names: c.1066_1071dup6 (NM_020732.3); c.1066_1071dupGGCGGC (NM_020732.3); c.1303GGC[8], p.Gly440_Tyr441insGlyGly (NM_001371656.1, NM_001374820.1, NM_017519.3).
Identifiers: ClinVar variation 1781697 (VCV001781697.3), dbSNP rs797045268, ClinGen allele CA915398145.
Genomic context (GRCh38, chr6:156,778,982, plus strand): 5'-AGGAGGAGCAGGAGCGGGAGCTGTGGCGGCGGCGGCCGCGGCGGCGGCGGCAGCAGCAGG[A>AGGCGGC]GGCGGCGGCGGCGGCGGCTATGGGGGCTCGTCCGCGGGGTACGGGGTGCTGAGCTCCCCC-3'

ClinVar aggregate classification (germline): Conflicting classifications of pathogenicity. Review status: criteria provided, conflicting classifications (1 of 4 stars). 2 submissions from 2 submitters: Uncertain significance (1); Likely benign (1). Last evaluated 2023-05-01.

Conditions:
ARID1B-Related Disorder. Identifiers: MedGen CN381337.
Inborn genetic diseases. Identifiers: MedGen C0950123, MeSH D030342.

Submissions (2):

PreventionGenetics, part of Exact Sciences
Classification: Uncertain significance for ARID1B-related condition. Last evaluated: 2023-05-01. Review status: criteria provided, single submitter. Criteria: ACMG Guidelines, 2015. Collection method: clinical testing. Allele origin: germline.
Comment: The ARID1B c.1066_1071dup6 variant is predicted to result in an in-frame duplication (p.Gly356_Gly357dup). To our knowledge, this variant has not been reported in the literature. This variant is reported in 0.013% of alleles in individuals of African descent in gnomAD. At this time, the clinical significance of this variant is uncertain due to the absence of conclusive functional and genetic evidence.

Ambry Genetics
Classification: Likely benign for Inborn genetic diseases. Last evaluated: 2018-05-15. Review status: criteria provided, single submitter. Criteria: Ambry Variant Classification Scheme 2023. Collection method: clinical testing. Allele origin: germline.